The following is an entry in ClinVar:

NM_003000.3(SDHB):c.457A>G (p.Ile153Val)

Gene: SDHB (succinate dehydrogenase complex iron sulfur subunit B; minus strand). Cytogenetic location: 1p36.13.
Variant type: single nucleotide variant.
Coding change: c.457A>G on transcript NM_003000.3 (MANE Select); coding-DNA position 457, A replaced by G.
Protein change: p.Ile153Val; replaces isoleucine 153 with valine.
Molecular consequence: missense variant.
Genome position (GRCh38, 1-based): chr1:17,027,832, T>C on the plus strand (A>G on the coding strand, the complement: SDHB is on the minus strand). VCF-style: chr1-17027832-T-C. GRCh37 (hg19) VCF-style: chr1-17354327-T-C.
Other names: short protein forms I153V.
Identifiers: ClinVar variation 480781 (VCV000480781.14), dbSNP rs1450956956, ClinGen allele CA338273114.

ClinVar aggregate classification (germline): Uncertain significance. Review status: criteria provided, multiple submitters, no conflicts (2 of 4 stars). 3 submissions from 3 submitters: Uncertain significance (3). Last evaluated 2024-09-19.

Conditions:
Gastrointestinal stromal tumor. Also called: Gastrointestinal stroma tumor; Gastrointestinal stromal tumor, somatic. Identifiers: Orphanet 44890, MedGen C0238198, MeSH D046152, MONDO:0011719, OMIM 606764, HP:0100723.
Pheochromocytoma. Also called: MAX-Related Hereditary Paraganglioma-Pheochromocytoma Syndrome. Identifiers: Orphanet 29072, MedGen C0031511, MONDO:0008233, OMIM 171300, HP:0002666.
Pheochromocytoma/paraganglioma syndrome 4. Also called: SDHB-Related Hereditary Paraganglioma-Pheochromocytoma Syndrome (Paragangliomas 4); CAROTID BODY TUMORS AND MULTIPLE EXTRAADRENAL PHEOCHROMOCYTOMAS; PARAGANGLIOMA, FAMILIAL MALIGNANT; PARAGANGLIOMAS, HEREDITARY EXTRAADRENAL; SDHB-Related Hereditary Paraganglioma-Pheochromocytoma Syndrome; PHEOCHROMOCYTOMA, FAMILIAL EXTRAADRENAL. Identifiers: Orphanet 29072, MedGen C1861848, MONDO:0007273, OMIM 115310.
Hereditary cancer-predisposing syndrome. Also called: Tumor predisposition; Hereditary neoplastic syndrome; Neoplastic Syndromes, Hereditary; Hereditary Cancer Syndrome. Identifiers: Orphanet 140162, MedGen C0027672, MeSH D009386, MONDO:0015356.

Allele frequency attached by ClinVar (database versions not stated): gnomAD exomes below 0.00001; TOPMed below 0.00001; gnomAD 0.00001.
gnomAD v4.1: 4 of 1,612,706 alleles (0.00025%); highest among the groups gnomAD compares: Admixed American, 0.0017%; no homozygotes.

Submissions (3):

Labcorp Genetics (formerly Invitae), Labcorp
Classification: Uncertain significance for Gastrointestinal stromal tumor; Pheochromocytoma/paraganglioma syndrome 4; Pheochromocytoma. Last evaluated: 2024-09-19. Review status: criteria provided, single submitter. Criteria: Invitae Variant Classification Sherloc (09022015). Collection method: clinical testing. Allele origin: germline.
Comment: This sequence change replaces isoleucine, which is neutral and non-polar, with valine, which is neutral and non-polar, at codon 153 of the SDHB protein (p.Ile153Val). This variant is present in population databases (no rsID available, gnomAD 0.003%). This missense change has been observed in individual(s) with clinical features of SDHB-related conditions (PMID: 34906457). ClinVar contains an entry for this variant (Variation ID: 480781). Invitae Evidence Modeling of protein sequence and biophysical properties (such as structural, functional, and spatial information, amino acid conservation, physicochemical variation, residue mobility, and thermodynamic stability) indicates that this missense variant is not expected to disrupt SDHB protein function with a negative predictive value of 80%. In summary, the available evidence is currently insufficient to determine the role of this variant in disease. Therefore, it has been classified as a Variant of Uncertain Significance.

Baylor Genetics
Classification: Uncertain significance for Gastrointestinal stromal tumor. Last evaluated: 2024-02-29. Review status: criteria provided, single submitter. Criteria: ACMG Guidelines, 2015. Collection method: clinical testing. Allele origin: unknown.

Ambry Genetics
Classification: Uncertain significance for Hereditary cancer-predisposing syndrome. Last evaluated: 2023-08-31. Review status: criteria provided, single submitter. Criteria: Ambry Variant Classification Scheme 2023. Collection method: clinical testing. Allele origin: germline.
Comment: The p.I153V variant (also known as c.457A>G), located in coding exon 5 of the SDHB gene, results from an A to G substitution at nucleotide position 457. The isoleucine at codon 153 is replaced by valine, an amino acid with highly similar properties. This alteration was observed in one individual in a cohort of 6238 PCC patients (Garrett A et al. Genet Med, 2022 Jan;24:41-50). This amino acid position is highly conserved in available vertebrate species. In addition, the in silico prediction for this alteration is inconclusive. Since supporting evidence is limited at this time, the clinical significance of this alteration remains unclear.

Literature cited by the submitters: PubMed 34906457 (cited by Labcorp Genetics (formerly Invitae), Labcorp and Ambry Genetics).